The following is an entry in ClinVar:

NM_001243279.3(ACSF3):c.814_820del (p.Pro272fs)

Gene: ACSF3 (acyl-CoA synthetase family member 3; plus strand). Cytogenetic location: 16q24.3.
Variant type: Deletion.
Coding change: c.814_820del on transcript NM_001243279.3 (MANE Select); coding-DNA positions 814 to 820, 7 bases deleted (CCTCAGC; older notation c.814_820delCCTCAGC).
Protein change: p.Pro272fs; shifts the reading frame from proline 272.
Molecular consequence: frameshift variant. On other transcripts: non-coding transcript variant (3).
Genome position (GRCh38, 1-based): chr16:89,102,751-89,102,757, CCTCAGC deleted; deleting any 7 consecutive bases within chr16:89,102,746-89,102,757 gives the same sequence; the c. name uses the placement nearest the transcript's 3' end. VCF-style (leftmost placement, unchanged base first): chr16-89102745-TTCAGCCC-T. GRCh37 (hg19) VCF-style: chr16-89169153-TTCAGCCC-T.
Other names: c.814_820del, p.Pro272fs (NM_001127214.4, NM_174917.5); c.19_25del, p.Pro7fs (NM_001284316.2); short protein forms P7fs, P272fs.
Identifiers: ClinVar variation 2905027 (VCV002905027.3), dbSNP rs2543539072, ClinGen allele CA2739265521.

ClinVar aggregate classification (germline): Pathogenic (1 of 4 stars; one submission).

Conditions:
Combined malonic and methylmalonic acidemia. Identifiers: Orphanet 289504, MedGen C3280314, MONDO:0013661, OMIM 614265.

Submission:

Labcorp Genetics (formerly Invitae), Labcorp
Classification: Pathogenic for Combined malonic and methylmalonic acidemia. Last evaluated: 2024-01-22. Review status: criteria provided, single submitter. Criteria: Invitae Variant Classification Sherloc (09022015). Collection method: clinical testing. Allele origin: germline.
Comment: This sequence change creates a premature translational stop signal (p.Pro272Argfs*7) in the ACSF3 gene. It is expected to result in an absent or disrupted protein product. Loss-of-function variants in ACSF3 are known to be pathogenic (PMID: 21841779, 26827111). This variant is not present in population databases (gnomAD no frequency). This variant has not been reported in the literature in individuals affected with ACSF3-related conditions. For these reasons, this variant has been classified as Pathogenic.

Literature cited by the submitters: PubMed 21841779; PubMed 26827111.